The following is an entry in ClinVar:

NM_001128431.4(SLC39A14):c.1032C>T (p.Asp344=)

Gene: SLC39A14 (solute carrier family 39 member 14; plus strand). Cytogenetic location: 8p21.3.
Variant type: single nucleotide variant.
Coding change: c.1032C>T on transcript NM_001128431.4 (MANE Select); coding-DNA position 1032, C replaced by T.
Protein change: p.Asp344=; no amino-acid change (aspartic acid 344 retained).
Molecular consequence: synonymous variant.
Genome position (GRCh38, 1-based): chr8:22,416,165, C>T. VCF-style: chr8-22416165-C-T. GRCh37 (hg19) VCF-style: chr8-22273678-C-T.
Other names: p.Asp344=; c.1032C>T, p.Asp344= (NM_001135153.3, NM_001135154.3, NM_001351655.2 and 3 more transcripts); c.1062C>T, p.Asp354= (NM_001351657.2, NM_001351658.2, NM_001351659.2).
Identifiers: ClinVar variation 776289 (VCV000776289.10), dbSNP rs143460922, ClinGen allele CA4667503.

ClinVar aggregate classification (germline): Benign/Likely benign. Review status: criteria provided, multiple submitters, no conflicts (2 of 4 stars). 2 submissions from 2 submitters: Benign (1); Likely benign (1). Last evaluated 2025-12-20.

Allele frequency attached by ClinVar (database versions not stated): gnomAD exomes 0.00008 and 0.00027; ExAC 0.00038; ESP Exome Variant Server 0.00100; gnomAD 0.00105 and 0.00109; TOPMed 0.00152; 1000 Genomes Project 0.00280; 1000 Genomes Project 30x 0.00297.
gnomAD v4.1: 294 of 1,614,086 alleles (0.018%); highest among the groups gnomAD compares: African/African-American, 0.29%; no homozygotes.

Submissions (2):

Labcorp Genetics (formerly Invitae), Labcorp
Classification: Benign. Last evaluated: 2025-12-20. Review status: criteria provided, single submitter. Criteria: Invitae Variant Classification Sherloc (09022015). Collection method: clinical testing. Allele origin: germline.

Mayo Clinic Laboratories, Mayo Clinic
Classification: Likely benign. Last evaluated: 2025-10-19. Review status: criteria provided, single submitter. Criteria: ACMG Guidelines, 2015. Collection method: clinical testing. Allele origin: germline. Observed: 1 variant allele.
Comment: BS1, BP4, BP7